The following is an entry in ClinVar:

ClinVar aggregate classification (germline): Pathogenic/Likely pathogenic. Review status: criteria provided, multiple submitters, no conflicts (2 of 4 stars). 13 submissions from 13 submitters: Pathogenic (11); Likely pathogenic (2). Last evaluated 2026-02-06.

Conditions:
Adult hypophosphatasia. Identifiers: Orphanet 247676, Orphanet 436, MedGen C0268413, MONDO:1010154, OMIM 146300, MONDO:0007798.
ALPL-related disorder. Also called: ALPL-related disorders; ALPL-related condition.
Childhood hypophosphatasia. Identifiers: Orphanet 247667, Orphanet 436, MedGen C0220743, MONDO:1010168, OMIM 241510, MONDO:0009428.
Infantile hypophosphatasia. Identifiers: Orphanet 247651, Orphanet 436, MedGen C0268412, MONDO:1010169, OMIM 241500, MONDO:0009427.
Hypophosphatasia. Also called: Phosphoethanol-aminuria. Identifiers: Orphanet 436, MedGen C0020630, MeSH D007014, MONDO:0018570.
Hypophosphataemia or rickets.

Allele frequency attached by ClinVar (database versions not stated): gnomAD exomes below 0.00001; TOPMed below 0.00001.
gnomAD v4.1: 8 of 1,614,028 alleles (0.0005%); highest among the groups gnomAD compares: South Asian, 0.0011%; no homozygotes.

Submissions (13):

PreventionGenetics, part of Exact Sciences
Classification: Pathogenic for ALPL-related condition. Last evaluated: 2026-02-06. Review status: criteria provided, single submitter. Criteria: ACMG Guidelines, 2015. Collection method: clinical testing. Allele origin: germline.
Comment: The ALPL c.500C>T variant is predicted to result in the amino acid substitution p.Thr167Met. This variant in the heterozygous condition has been reported in one patient with adult-onset hypophosphatasia (HPP) (Braunstein. 2016. PubMed ID: 28326335). This variant has also been reported in one child with childhood HPP (Whyte et al. 2015. PubMed ID: 25731960). Functional studies suggest the p.Thr167Met variant led to reduced alkaline phosphatase activity (Table S3, Del Angel et al. 2020. PubMed ID: 32160374). The c.500C>T (p.Thr167Met) variant has not been observed in a public variant allele frequency database, indicating that this variant is rare. In summary, we consider this variant to be pathogenic.

Labcorp Genetics (formerly Invitae), Labcorp
Classification: Pathogenic. Last evaluated: 2026-01-26. Review status: criteria provided, single submitter. Criteria: Invitae Variant Classification Sherloc (09022015). Collection method: clinical testing. Allele origin: germline.
Comment: This sequence change replaces threonine, which is neutral and polar, with methionine, which is neutral and non-polar, at codon 167 of the ALPL protein (p.Thr167Met). This variant is not present in population databases (gnomAD no frequency). This missense change has been observed in individual(s) with hypophosphatasia (PMID: 16583935, 25731960; internal data). This variant is also known as p.Thr150Met in TNSALP. ClinVar contains an entry for this variant (Variation ID: 975901). Invitae Evidence Modeling of protein sequence and biophysical properties (such as structural, functional, and spatial information, amino acid conservation, physicochemical variation, residue mobility, and thermodynamic stability) indicates that this missense variant is expected to disrupt ALPL protein function with a positive predictive value of 95%. For these reasons, this variant has been classified as Pathogenic.

GeneDx
Classification: Pathogenic. Last evaluated: 2025-10-08. Review status: criteria provided, single submitter. Criteria: GeneDx Variant Classification Process June 2021. Collection method: clinical testing. Allele origin: germline.
Comment: Published functional studies demonstrate a damaging effect on enzyme activity (PMID: 37422472, 32160374); Not observed at significant frequency in large population cohorts (gnomAD); In silico analysis supports that this missense variant has a deleterious effect on protein structure/function; This variant is associated with the following publications: (PMID: 38884565, 39983296, 37351650, 16583935, 32160374, 37422472, 37107680, 28326335, 36361766, 38702915, 25731960, 34633109, 29774402)

Genomenon, Inc
Classification: Pathogenic for Hypophosphatasia. Last evaluated: 2025-08-29. Review status: criteria provided, single submitter. Criteria: Genomenon Sequence Variant Interpretation Standards. Collection method: curation. Allele origin: germline. Affected: yes.
Comment: ALPL c.500C>T is a missense variant that changes the amino acid at residue 167 from Threonine to Methionine. This variant has been observed in at least one proband affected with hypophosphatasia (PMID:38884565;36361766;37107680;28326335;25731960;29774402). At least one functional study has demonstrated a substantial alteration in protein function relative to the wild-type (PMID:32160374). This variant has also been described as Thr150Met in the literature. It is absent or not present at a significant frequency in gnomAD. In silico models agree that this variant is possibly or probably damaging. In conclusion, we classify ALPL p.Thr167Met (c.500C>T) as a pathogenic variant.

CeGaT Center for Human Genetics Tuebingen
Classification: Likely pathogenic. Last evaluated: 2025-01-01. Review status: criteria provided, single submitter. Criteria: CeGaT Center For Human Genetics Tuebingen Variant Classification Criteria Version 2. Collection method: clinical testing. Allele origin: germline. Affected: yes. Observed: 1 variant allele.
Comment: ALPL: PM1, PM2, PS4:Moderate, PS3:Supporting

Natera, Inc.
Classification: Pathogenic for Hypophosphatasia. Last evaluated: 2024-09-19. Review status: criteria provided, single submitter. Criteria: Natera Variant Classification Schema (03/2026). Collection method: clinical testing. Allele origin: germline.
Comment: The c.500C>T variant in ALPL is a missense variant predicted to cause substitution of threonine to methionine at amino acid 167. This variant is rare in the general population with a frequency below the threshold expected for the associated phenotype(s). This variant has been observed in one or more individuals affected with the associated recessive disease, as either homozygous or compound heterozygous with a second variant (PMID:32973344, 25731960, 29774402). This variant has been observed in affected individual(s) with monoallelic occurrence (heterozygous/hemizygous) (PMID: 37351650, 37107680, 36361766, 35986118). Functional studies show that this variant may disrupt protein function (PMID: 32160374, 37422472). Computational prediction algorithms indicate this variant is likely to affect gene or protein function. Given the available evidence, this variant is classified as Pathogenic.

Women's Health and Genetics/Laboratory Corporation of America, LabCorp
Classification: Pathogenic for Hypophosphatasia. Last evaluated: 2024-09-12. Review status: criteria provided, single submitter. Criteria: LabCorp Variant Classification Summary - May 2015. Collection method: clinical testing. Allele origin: germline.
Comment: Variant summary: ALPL c.500C>T (p.Thr167Met) results in a non-conservative amino acid change in the encoded protein sequence. Five of five in-silico tools predict a damaging effect of the variant on protein function. The variant was absent in 250944 control chromosomes (gnomAD). c.500C>T has been reported in the literature in individuals affected with Hypophosphatasia (Ligutic_2005, Del Ange_2020, Rush_2021). These data indicate that the variant is likely to be associated with disease. At least one publication reports experimental evidence evaluating an impact on protein function. The most pronounced variant effect results in <10% of normal activity (Del Ange_2020). The following publications have been ascertained in the context of this evaluation (PMID: 32160374, 16583935, 34633109). ClinVar contains an entry for this variant (Variation ID: 975901). Based on the evidence outlined above, the variant was classified as pathogenic.

Blueprint Genetics
Classification: Pathogenic for ALPL-related disorders. Last evaluated: 2024-03-05. Review status: criteria provided, single submitter. Criteria: ACMG Guidelines, 2015. Collection method: clinical testing. Allele origin: germline. Affected: yes. Observed: 1 variant allele.

Cambridge Genomics Laboratory, East Genomic Laboratory Hub, NHS Genomic Medicine Service
Classification: Pathogenic for Hypophosphataemia or rickets. Last evaluated: 2024-02-26. Review status: criteria provided, single submitter. Criteria: ACGS Best Practice Guidelines for Variant Classification in Rare Disease 2020. Collection method: clinical testing. Allele origin: germline. Affected: yes.
Comment: The p.Thr167Met variant is novel (not in any individuals) in gnomAD All. The p.Thr167Met variant is novel (not in any individuals) in 1kG All. The p.Thr167Met variant is novel (not in any individuals) in gnomAD Genomes v3 All. (PM2 - Moderate) | The p.Thr167Met missense variant is predicted to be damaging by both SIFT and PolyPhen2. The threonine residue at codon 167 of ALPL is conserved in all mammalian species. The nucleotide c.500 in ALPL is predicted conserved by GERP++ and PhyloP across 100 vertebrates. (PP3 - Supporting) | Functional studies demonstrate that this variant has a damaging effect on the gene or gene product (PS3_Supporting - Supporting) | The variant is observed in trans (in a compound heterozygous state) with another pathogenic variant. (PM3_Strong - Strong) | The patient's phenotype or family history is highly specific for a disease with a single genetic etiology. (PP4 - Supporting)

Fulgent Genetics
Classification: Pathogenic for Adult hypophosphatasia; Infantile hypophosphatasia; Childhood hypophosphatasia. Last evaluated: 2024-01-08. Review status: criteria provided, single submitter. Criteria: ACMG Guidelines, 2015. Collection method: clinical testing. Allele origin: germline.

Baylor Genetics
Classification: Likely pathogenic for Adult hypophosphatasia. Last evaluated: 2023-12-06. Review status: criteria provided, single submitter. Criteria: ACMG Guidelines, 2015. Collection method: clinical testing. Allele origin: unknown.

Revvity Omics, Revvity
Classification: Pathogenic. Last evaluated: 2023-04-25. Review status: criteria provided, single submitter. Criteria: ACMG Guidelines, 2015. Collection method: clinical testing. Allele origin: germline.

Institute of Human Genetics, University of Leipzig Medical Center
Classification: Pathogenic for Adult hypophosphatasia. Last evaluated: 2018-04-26. Review status: criteria provided, single submitter. Criteria: ACMG Guidelines, 2015. Collection method: clinical testing. Allele origin: germline. Affected: yes. Observed: 1 variant allele.

Literature cited by the submitters: PubMed 16583935 (cited by Labcorp Genetics (formerly Invitae), Labcorp and Women's Health and Genetics/Laboratory Corporation of America, LabCorp); PubMed 25731960 (cited by 3 submitters); PubMed 38884565 (cited by Genomenon, Inc); PubMed 36361766 (cited by Genomenon, Inc and Natera, Inc.); PubMed 37107680 (cited by Genomenon, Inc and Natera, Inc.); PubMed 28326335 (cited by Genomenon, Inc); PubMed 29774402 (cited by Genomenon, Inc and Natera, Inc.); PubMed 32160374 (cited by 3 submitters); PubMed 32973344 (cited by Natera, Inc.); PubMed 37351650 (cited by Natera, Inc.); PubMed 35986118 (cited by Natera, Inc.); PubMed 37422472 (cited by Natera, Inc.); PubMed 34633109 (cited by Women's Health and Genetics/Laboratory Corporation of America, LabCorp).

NM_000478.6(ALPL):c.500C>T (p.Thr167Met)

Gene: ALPL (alkaline phosphatase, biomineralization associated; plus strand). Cytogenetic location: 1p36.12.
Variant type: single nucleotide variant.
Coding change: c.500C>T on transcript NM_000478.6 (MANE Select); coding-DNA position 500, C replaced by T.
Protein change: p.Thr167Met; replaces threonine 167 with methionine.
Molecular consequence: missense variant.
Genome position (GRCh38, 1-based): chr1:21,564,068, C>T. VCF-style: chr1-21564068-C-T. GRCh37 (hg19) VCF-style: chr1-21890561-C-T.
Other names: c.335C>T, p.Thr112Met (NM_001127501.4); c.269C>T, p.Thr90Met (NM_001177520.3); c.500C>T, p.Thr167Met (NM_001369803.2, NM_001369804.2, NM_001369805.2); c.500C>T (NM_000478.4); short protein forms T112M, T167M, T90M.
Identifiers: ClinVar variation 975901 (VCV000975901.35), dbSNP rs1408325840, ClinGen allele CA338877789.
Genomic context (GRCh38, chr1:21,564,068, plus strand): 5'-GATAAAGCCAAACCCGCCCCTCCTGCACCCCAGGGAAATCTGTGGGCATTGTGACCACCA[C>T]GAGAGTGAACCATGCCACCCCCAGCGCCGCCTACGCCCACTCGGCTGACCGGGACTGGTA-3'
Protein context (NP_000469.3, residues 157-177): AGKSVGIVTT[Thr167Met]RVNHATPSAA